The following is an entry in ClinVar:

ClinVar aggregate classification (germline): Uncertain significance. Review status: criteria provided, multiple submitters, no conflicts (2 of 4 stars). 2 submissions from 2 submitters: Uncertain significance (2). Last evaluated 2022-06-23.

Conditions:
Hereditary cancer-predisposing syndrome. Also called: Neoplastic Syndromes, Hereditary; Hereditary neoplastic syndrome; Hereditary Cancer Syndrome; Tumor predisposition. Identifiers: Orphanet 140162, MedGen C0027672, MeSH D009386, MONDO:0015356.
Hereditary diffuse gastric adenocarcinoma (HDGC). Also called: DIFFUSE GASTRIC AND LOBULAR BREAST CANCER SYNDROME. Identifiers: Orphanet 26106, MedGen C1708349, MONDO:0007648, OMIM 137215.

Submissions (2):

Ambry Genetics
Classification: Uncertain significance for Hereditary cancer-predisposing syndrome. Last evaluated: 2022-06-23. Review status: criteria provided, single submitter. Criteria: Ambry Variant Classification Scheme 2023. Collection method: clinical testing. Allele origin: germline.
Comment: The p.P744R variant (also known as c.2231C>G), located in coding exon 14 of the CDH1 gene, results from a C to G substitution at nucleotide position 2231. The proline at codon 744 is replaced by arginine, an amino acid with dissimilar properties. This amino acid position is conserved. In addition, the in silico prediction for this alteration is inconclusive. Since supporting evidence is limited at this time, the clinical significance of this alteration remains unclear.

Labcorp Genetics (formerly Invitae), Labcorp
Classification: Uncertain significance for Hereditary diffuse gastric adenocarcinoma. Last evaluated: 2021-10-18. Review status: criteria provided, single submitter. Criteria: Invitae Variant Classification Sherloc (09022015). Collection method: clinical testing. Allele origin: germline.
Comment: Algorithms developed to predict the effect of missense changes on protein structure and function are either unavailable or do not agree on the potential impact of this missense change (SIFT: "Deleterious"; PolyPhen-2: "Probably Damaging"; Align-GVGD: "Class C0"). This variant has not been reported in the literature in individuals affected with CDH1-related conditions. This variant is not present in population databases (ExAC no frequency). This sequence change replaces proline with arginine at codon 744 of the CDH1 protein (p.Pro744Arg). The proline residue is highly conserved and there is a moderate physicochemical difference between proline and arginine. In summary, the available evidence is currently insufficient to determine the role of this variant in disease. Therefore, it has been classified as a Variant of Uncertain Significance.

NM_004360.5(CDH1):c.2231C>G (p.Pro744Arg)

Gene: CDH1 (cadherin 1; plus strand). Cytogenetic location: 16q22.1.
Variant type: single nucleotide variant.
Coding change: c.2231C>G on transcript NM_004360.5 (MANE Select); coding-DNA position 2231, C replaced by G.
Protein change: p.Pro744Arg; replaces proline 744 with arginine.
Molecular consequence: missense variant.
Genome position (GRCh38, 1-based): chr16:68,828,240, C>G. VCF-style: chr16-68828240-C-G. GRCh37 (hg19) VCF-style: chr16-68862143-C-G.
Other names: c.2048C>G, p.Pro683Arg (NM_001317184.2); c.683C>G, p.Pro228Arg (NM_001317185.2); c.266C>G, p.Pro89Arg (NM_001317186.2); short protein forms P228R, P683R, P744R, P89R.
Identifiers: ClinVar variation 947815 (VCV000947815.10), dbSNP rs1001200905, ClinGen allele CA396469713.